The following is an entry in ClinVar:

NM_182916.3(TRNT1):c.324_330del (p.His108fs)

Gene: TRNT1 (tRNA nucleotidyl transferase 1; plus strand). Cytogenetic location: 3p26.2.
Variant type: Deletion.
Coding change: c.324_330del on transcript NM_182916.3 (MANE Select); coding-DNA positions 324 to 330, 7 bases deleted (CGGAACA; older notation c.324_330delCGGAACA).
Protein change: p.His108fs; shifts the reading frame from histidine 108.
Molecular consequence: frameshift variant. On other transcripts: non-coding transcript variant (8).
Genome position (GRCh38, 1-based): chr3:3,137,435-3,137,441, CGGAACA deleted; deleting any 7 consecutive bases within chr3:3,137,433-3,137,441 gives the same sequence; the c. name uses the placement nearest the transcript's 3' end. VCF-style (leftmost placement, unchanged base first): chr3-3137432-GCACGGAA-G. GRCh37 (hg19) VCF-style: chr3-3179116-GCACGGAA-G.
Other names: c.324_330del, p.His108fs (LRG_1314t1, NM_001302946.2, NM_001367321.1 and 2 more transcripts); short protein forms H108fs.
Identifiers: ClinVar variation 662903 (VCV000662903.6), dbSNP rs776199133, ClinGen allele CA2228598.

ClinVar aggregate classification (germline): Pathogenic/Likely pathogenic. Review status: criteria provided, multiple submitters, no conflicts (2 of 4 stars). 2 submissions from 2 submitters: Pathogenic (1); Likely pathogenic (1). Last evaluated 2023-04-24.

Conditions:
TRNT1-related disorder. Also called: TRNT1-related disorders; TRNT1-related condition.
Congenital sideroblastic anemia-B-cell immunodeficiency-periodic fever-developmental delay syndrome. Also called: Sideroblastic anemia with B-cell immunodeficiency, periodic fevers, and developmental delay. Identifiers: Orphanet 369861, MedGen C4015172, MONDO:0014487, OMIM 616084.

Submissions (2):

Labcorp Genetics (formerly Invitae), Labcorp
Classification: Pathogenic for Congenital sideroblastic anemia-B-cell immunodeficiency-periodic fever-developmental delay syndrome. Last evaluated: 2023-04-24. Review status: criteria provided, single submitter. Criteria: Invitae Variant Classification Sherloc (09022015). Collection method: clinical testing. Allele origin: germline.
Comment: For these reasons, this variant has been classified as Pathogenic. ClinVar contains an entry for this variant (Variation ID: 662903). This variant has not been reported in the literature in individuals affected with TRNT1-related conditions. This variant is present in population databases (rs776199133, gnomAD 0.002%). This sequence change creates a premature translational stop signal (p.His108Glnfs*29) in the TRNT1 gene. It is expected to result in an absent or disrupted protein product. Loss-of-function variants in TRNT1 are known to be pathogenic (PMID: 25193871).

Blueprint Genetics
Classification: Likely pathogenic for TRNT1-related disorders. Last evaluated: 2019-01-15. Review status: criteria provided, single submitter. Criteria: ACMG Guidelines, 2015. Collection method: clinical testing. Allele origin: germline. Affected: yes. Observed: 2 variant alleles.

Literature cited by the submitters: PubMed 25193871 (cited by Labcorp Genetics (formerly Invitae), Labcorp).